The following is an entry in ClinVar:

NM_139027.6(ADAMTS13):c.3317C>T (p.Ala1106Val)

Gene: ADAMTS13 (ADAM metallopeptidase with thrombospondin type 1 motif 13; plus strand). Cytogenetic location: 9q34.2.
Variant type: single nucleotide variant.
Coding change: c.3317C>T on transcript NM_139027.6 (MANE Select); coding-DNA position 3317, C replaced by T.
Protein change: p.Ala1106Val; replaces alanine 1106 with valine.
Molecular consequence: missense variant. On other transcripts: non-coding transcript variant (1).
Genome position (GRCh38, 1-based): chr9:133,455,352, C>T. VCF-style: chr9-133455352-C-T. GRCh37 (hg19) VCF-style: chr9-136320474-C-T.
Other names: c.3317C>T, p.Ala1106Val (NM_139025.5); c.3224C>T, p.Ala1075Val (NM_139026.6); c.3317C>T (NM_139025.3); short protein forms A1075V, A1106V.
Identifiers: ClinVar variation 1502580 (VCV001502580.7), dbSNP rs370060687, ClinGen allele CA200943993.

ClinVar aggregate classification (germline): Conflicting classifications of pathogenicity. Review status: criteria provided, conflicting classifications (1 of 4 stars). 3 submissions from 3 submitters: Uncertain significance (2); Likely benign (1). Last evaluated 2024-12-28.

Conditions:
Inborn genetic diseases. Identifiers: MedGen C0950123, MeSH D030342.
Upshaw-Schulman syndrome (TTP). Also called: Congenital thrombotic thrombocytopenic purpura; THROMBOTIC THROMBOCYTOPENIC PURPURA, HEREDITARY. Identifiers: Orphanet 93583, MedGen C1268935, MONDO:0010122, OMIM 274150.

Allele frequency attached by ClinVar (database versions not stated): gnomAD exomes 0.00003 and 0.00005; TOPMed 0.00005; ExAC 0.00008; ESP Exome Variant Server 0.00008; gnomAD 0.00009.
gnomAD v4.1: 58 of 1,610,916 alleles (0.0036%); highest among the groups gnomAD compares: African/African-American, 0.013%; no homozygotes.

Submissions (3):

Ambry Genetics
Classification: Likely benign for Inborn genetic diseases. Last evaluated: 2024-12-28. Review status: criteria provided, single submitter. Criteria: Ambry Variant Classification Scheme 2023. Collection method: clinical testing. Allele origin: germline.

Fulgent Genetics
Classification: Uncertain significance for Upshaw-Schulman syndrome. Last evaluated: 2024-01-30. Review status: criteria provided, single submitter. Criteria: ACMG Guidelines, 2015. Collection method: clinical testing. Allele origin: germline.

Labcorp Genetics (formerly Invitae), Labcorp
Classification: Uncertain significance. Last evaluated: 2021-12-12. Review status: criteria provided, single submitter. Criteria: Invitae Variant Classification Sherloc (09022015). Collection method: clinical testing. Allele origin: germline.
Comment: In summary, the available evidence is currently insufficient to determine the role of this variant in disease. Therefore, it has been classified as a Variant of Uncertain Significance. Algorithms developed to predict the effect of sequence changes on RNA splicing suggest that this variant may create or strengthen a splice site. Algorithms developed to predict the effect of missense changes on protein structure and function output the following: SIFT: "Tolerated"; PolyPhen-2: "Benign"; Align-GVGD: "Class C0". The valine amino acid residue is found in multiple mammalian species, which suggests that this missense change does not adversely affect protein function. This variant has not been reported in the literature in individuals affected with ADAMTS13-related conditions. This variant is present in population databases (rs370060687, gnomAD 0.02%). This sequence change replaces alanine, which is neutral and non-polar, with valine, which is neutral and non-polar, at codon 1106 of the ADAMTS13 protein (p.Ala1106Val).